The following is an entry in ClinVar:

NM_001375567.1(FOCAD):c.3489A>G (p.Ala1163=)

Gene: FOCAD (focadhesin; plus strand). Cytogenetic location: 9p21.3.
Variant type: single nucleotide variant.
Coding change: c.3489A>G on transcript NM_001375567.1 (MANE Select); coding-DNA position 3489, A replaced by G.
Protein change: p.Ala1163=; no amino-acid change (alanine 1163 retained).
Molecular consequence: synonymous variant.
Genome position (GRCh38, 1-based): chr9:20,944,708, A>G. VCF-style: chr9-20944708-A-G. GRCh37 (hg19) VCF-style: chr9-20944707-A-G.
Other names: c.3384A>G, p.Ala1128= (NM_001375568.1, NM_001375570.1); c.3489A>G, p.Ala1163= (NM_017794.5).
Identifiers: ClinVar variation 3625308 (VCV003625308.2).

ClinVar aggregate classification (germline): Uncertain significance (1 of 4 stars; one submission).

Submission:

Labcorp Genetics (formerly Invitae), Labcorp
Classification: Uncertain significance. Last evaluated: 2024-03-29. Review status: criteria provided, single submitter. Criteria: Invitae Variant Classification Sherloc (09022015). Collection method: clinical testing. Allele origin: germline.
Comment: This sequence change affects codon 1163 of the FOCAD mRNA. It is a 'silent' change, meaning that it does not change the encoded amino acid sequence of the FOCAD protein. This variant is present in population databases (no rsID available, gnomAD 0.0009%). This variant has not been reported in the literature in individuals affected with FOCAD-related conditions. Experimental studies and prediction algorithms are not available or were not evaluated, and the effect of this variant on mRNA splicing is currently unknown. In summary, the available evidence is currently insufficient to determine the role of this variant in disease. Therefore, it has been classified as a Variant of Uncertain Significance.